The following is an entry in ClinVar:

ClinVar aggregate classification (germline): Uncertain significance. Review status: criteria provided, multiple submitters, no conflicts (2 of 4 stars). 7 submissions from 7 submitters: Uncertain significance (7). Last evaluated 2026-02-03.

Conditions:
Brachydactyly type A1. Also called: SHORT STATURE WITH NONSPECIFIC SKELETAL ABNORMALITIES 2; FARABEE-TYPE BRACHYDACTYLY. Identifiers: Orphanet 93388, MedGen C1862151, MONDO:0007215, OMIM 112500, HP:0009371.

Allele frequency attached by ClinVar (database versions not stated): ExAC 0.00024; gnomAD 0.00054; ESP Exome Variant Server 0.00008; TOPMed 0.00014.
gnomAD v4.1: 273 of 1,610,656 alleles (0.017%); highest among the groups gnomAD compares: Non-Finnish European, 0.021%; no homozygotes.

Submissions (7):

Women's Health and Genetics/Laboratory Corporation of America, LabCorp
Classification: Uncertain significance. Last evaluated: 2026-02-03. Review status: criteria provided, single submitter. Criteria: LabCorp Variant Classification Summary - May 2015. Collection method: clinical testing. Allele origin: germline.
Comment: Variant summary: IHH c.1169G>A (p.Arg390His) results in a non-conservative amino acid change in the encoded protein sequence. Algorithms developed to predict the effect of missense changes on protein structure and function all suggest that this variant is likely to be disruptive. The variant allele was found at a frequency of 0.00016 in 242674 control chromosomes. This frequency is not significantly higher than estimated for disease-causing variants in IHH, allowing no conclusion about variant significance. c.1169G>A has been observed in heterozygous individual(s) affected with severe short stature (e.g. Plachy_2019). These report(s) do not provide unequivocal conclusions about association of the variant with IHH-Related Disorders. To our knowledge, no experimental evidence demonstrating an impact on protein function has been reported. The following publication has been ascertained in the context of this evaluation (PMID: 30753492). ClinVar contains an entry for this variant (Variation ID: 287491). Based on the evidence outlined above, the variant was classified as uncertain significance.

Labcorp Genetics (formerly Invitae), Labcorp
Classification: Uncertain significance. Last evaluated: 2025-12-01. Review status: criteria provided, single submitter. Criteria: Invitae Variant Classification Sherloc (09022015). Collection method: clinical testing. Allele origin: germline.
Comment: This sequence change replaces arginine, which is basic and polar, with histidine, which is basic and polar, at codon 390 of the IHH protein (p.Arg390His). This variant is present in population databases (rs150661368, gnomAD 0.04%). This variant has not been reported in the literature in individuals affected with IHH-related conditions. ClinVar contains an entry for this variant (Variation ID: 287491). Invitae Evidence Modeling of protein sequence and biophysical properties (such as structural, functional, and spatial information, amino acid conservation, physicochemical variation, residue mobility, and thermodynamic stability) indicates that this missense variant is not expected to disrupt IHH protein function with a negative predictive value of 80%. In summary, the available evidence is currently insufficient to determine the role of this variant in disease. Therefore, it has been classified as a Variant of Uncertain Significance.

Blueprint Genetics
Classification: Uncertain significance. Last evaluated: 2024-10-29. Review status: criteria provided, single submitter. Criteria: ACMG Guidelines, 2015. Collection method: clinical testing. Allele origin: germline.

GeneDx
Classification: Uncertain significance. Last evaluated: 2023-03-09. Review status: criteria provided, single submitter. Criteria: GeneDx Variant Classification Process June 2021. Collection method: clinical testing. Allele origin: germline. Affected: yes.
Comment: In silico analysis supports that this missense variant does not alter protein structure/function; Has not been previously published as pathogenic or benign to our knowledge

Illumina Laboratory Services, Illumina
Classification: Uncertain significance for Brachydactyly type A1. Last evaluated: 2018-01-15. Review status: criteria provided, single submitter. Criteria: ICSL Variant Classification Criteria 13 December 2019. Collection method: clinical testing. Allele origin: germline.

Eurofins Ntd Llc (ga)
Classification: Uncertain significance. Last evaluated: 2016-05-02. Review status: criteria provided, single submitter. Criteria: EGL Classification Definitions 2015. Collection method: clinical testing. Allele origin: germline. Observed: 1 variant allele, 1 heterozygote.

Breakthrough Genomics
Classification: Uncertain significance. Review status: criteria provided, single submitter. Criteria: ACMG Guidelines, 2015. Collection method: not provided. Allele origin: germline. Inheritance: Autosomal recessive inheritance. Affected: yes.

Literature cited by the submitters: PubMed 30753492 (cited by Women's Health and Genetics/Laboratory Corporation of America, LabCorp).

NM_002181.4(IHH):c.1169G>A (p.Arg390His)

Gene: IHH (Indian hedgehog signaling molecule; minus strand). Cytogenetic location: 2q35.
Variant type: single nucleotide variant.
Coding change: c.1169G>A on transcript NM_002181.4 (MANE Select); coding-DNA position 1169, G replaced by A.
Protein change: p.Arg390His; replaces arginine 390 with histidine.
Molecular consequence: missense variant.
Genome position (GRCh38, 1-based): chr2:219,055,274, C>T on the plus strand (G>A on the coding strand, the complement: IHH is on the minus strand). VCF-style: chr2-219055274-C-T. GRCh37 (hg19) VCF-style: chr2-219919996-C-T.
Other names: short protein forms R390H.
Identifiers: ClinVar variation 287491 (VCV000287491.18), dbSNP rs150661368, ClinGen allele CA2116520.